The following is an entry in ClinVar:

ClinVar aggregate classification (germline): Pathogenic (1 of 4 stars; one submission).

Conditions:
Hereditary spastic paraplegia 4. Also called: Spastic paraplegia 4, autosomal dominant; Familial spastic paraplegia autosomal dominant 2; Spastic Paraplegia 4. Identifiers: Orphanet 100985, MedGen C1866855, MONDO:0008438, OMIM 182601.

Submission:

Labcorp Genetics (formerly Invitae), Labcorp
Classification: Pathogenic for Hereditary spastic paraplegia 4. Last evaluated: 2024-10-20. Review status: criteria provided, single submitter. Criteria: Invitae Variant Classification Sherloc (09022015). Collection method: clinical testing. Allele origin: germline.
Comment: This sequence change affects an acceptor splice site in intron 6 of the SPAST gene. It is expected to disrupt RNA splicing. Variants that disrupt the donor or acceptor splice site typically lead to a loss of protein function (PMID: 16199547), and loss-of-function variants in SPAST are known to be pathogenic (PMID: 20932283). This variant is not present in population databases (gnomAD no frequency). Disruption of this splice site has been observed in individual(s) with SPAST-related conditions (PMID: 12023066). It has also been observed to segregate with disease in related individuals. This variant is also known as 1130-1G>A. ClinVar contains an entry for this variant (Variation ID: 650879). Algorithms developed to predict the effect of sequence changes on RNA splicing suggest that this variant may disrupt the consensus splice site. For these reasons, this variant has been classified as Pathogenic.

Literature cited by the submitters: PubMed 16199547; PubMed 20932283; PubMed 12023066.

NM_014946.4(SPAST):c.1005-1G>A

Gene: SPAST (spastin; plus strand). Cytogenetic location: 2p22.3.
Variant type: single nucleotide variant.
Coding change: c.1005-1G>A on transcript NM_014946.4 (MANE Select); the canonical splice acceptor site of the intron before coding-DNA position 1005, G replaced by A.
Molecular consequence: splice acceptor variant.
Genome position (GRCh38, 1-based): chr2:32,116,118, G>A. VCF-style: chr2-32116118-G-A. GRCh37 (hg19) VCF-style: chr2-32341187-G-A.
Other names: c.909-1G>A (NM_199436.2, NM_001377959.1); c.1002-1G>A (NM_001363823.2); c.906-1G>A (NM_001363875.2).
Identifiers: ClinVar variation 650879 (VCV000650879.7), dbSNP rs1553315318, ClinGen allele CA346499578.